The following is an entry in ClinVar:

ClinVar aggregate classification (germline): Benign/Likely benign. Review status: criteria provided, multiple submitters, no conflicts (2 of 4 stars). 4 submissions from 3 submitters: Benign (2); Likely benign (2). Last evaluated 2022-11-01.

Conditions:
Seckel syndrome 4 (SCKL4). Identifiers: Orphanet 808, MedGen C3888212, MONDO:0013358, OMIM 613676.
Microcephaly 6, primary, autosomal recessive. Identifiers: Orphanet 2512, MedGen C1842109, MONDO:0012029, OMIM 608393.

Allele frequency attached by ClinVar (database versions not stated): gnomAD 0.00299 and 0.00313; TOPMed 0.00330; 1000 Genomes Project 0.00579.

Submissions (4):

CeGaT Center for Human Genetics Tuebingen
Classification: Benign. Last evaluated: 2022-11-01. Review status: criteria provided, single submitter. Criteria: CeGaT Center For Human Genetics Tuebingen Variant Classification Criteria Version 2. Collection method: clinical testing. Allele origin: germline. Affected: yes. Observed: 1 variant allele.
Comment: CPAP: BS1, BS2

GeneDx
Classification: Likely benign. Last evaluated: 2021-10-09. Review status: criteria provided, single submitter. Criteria: GeneDx Variant Classification Process June 2021. Collection method: clinical testing. Allele origin: germline. Affected: yes.
Comment: See Variant Classification Assertion Criteria.

Illumina Laboratory Services, Illumina
Classification: Likely benign for Microcephaly 6, primary, autosomal recessive. Last evaluated: 2018-01-13. Review status: criteria provided, single submitter. Criteria: ICSL Variant Classification Criteria 13 December 2019. Collection method: clinical testing. Allele origin: germline.
Comment: This variant was observed in the ICSL laboratory as part of a predisposition screen in an ostensibly healthy population. It had not been previously curated by ICSL or reported in the Human Gene Mutation Database (HGMD: prior to June 1st, 2018), and was therefore a candidate for classification through an automated scoring system. Utilizing variant allele frequency, disease prevalence and penetrance estimates, and inheritance mode, an automated score was calculated to assess if this variant is too frequent to cause the disease. Based on the score and internal cut-off values, a variant classified as likely benign is not then subjected to further curation. The score for this variant resulted in a classification of likely benign for this disease.

Illumina Laboratory Services, Illumina
Classification: Benign for Seckel syndrome 4. Last evaluated: 2018-01-13. Review status: criteria provided, single submitter. Criteria: ICSL Variant Classification Criteria 13 December 2019. Collection method: clinical testing. Allele origin: germline.
Comment: This variant was observed in the ICSL laboratory as part of a predisposition screen in an ostensibly healthy population. It had not been previously curated by ICSL or reported in the Human Gene Mutation Database (HGMD: prior to June 1st, 2018), and was therefore a candidate for classification through an automated scoring system. Utilizing variant allele frequency, disease prevalence and penetrance estimates, and inheritance mode, an automated score was calculated to assess if this variant is too frequent to cause the disease. Based on the score and internal cut-off values, a variant classified as benign is not then subjected to further curation. The score for this variant resulted in a classification of benign for this disease.

NM_018451.5(CPAP):c.*570T>C

Genes: CPAP (centrosome assembly and centriole elongation protein; minus strand), RNF17 (ring finger protein 17; plus strand). Cytogenetic location: 13q12.12.
Variant type: single nucleotide variant.
Coding change: c.*570T>C on transcript NM_018451.5 (MANE Select); 570 bases downstream of the stop codon, T replaced by C.
Molecular consequence: 3 prime UTR variant. On other transcripts: non-coding transcript variant (2).
Genome position (GRCh38, 1-based): chr13:24,882,607, A>G on the plus strand (T>C on the coding strand, the complement: CPAP is on the minus strand). VCF-style: chr13-24882607-A-G. GRCh37 (hg19) VCF-style: chr13-25456745-A-G.
Identifiers: ClinVar variation 311591 (VCV000311591.30), dbSNP rs139596189, ClinGen allele CA10643134.